The following is an entry in ClinVar:

NM_001042492.3(NF1):c.2162G>T (p.Cys721Phe)

Gene: NF1 (neurofibromin 1; plus strand). Cytogenetic location: 17q11.2.
Variant type: single nucleotide variant.
Coding change: c.2162G>T on transcript NM_001042492.3 (MANE Select); coding-DNA position 2162, G replaced by T.
Protein change: p.Cys721Phe; replaces cysteine 721 with phenylalanine.
Molecular consequence: missense variant.
Genome position (GRCh38, 1-based): chr17:31,226,595, G>T. VCF-style: chr17-31226595-G-T. GRCh37 (hg19) VCF-style: chr17-29553613-G-T.
Other names: c.2162G>T, p.Cys721Phe (NM_000267.4); short protein forms C721F.
Identifiers: ClinVar variation 1041795 (VCV001041795.7), dbSNP rs2067019239, ClinGen allele CA398982395.

ClinVar aggregate classification (germline): Uncertain significance. Review status: criteria provided, multiple submitters, no conflicts (2 of 4 stars). 2 submissions from 2 submitters: Uncertain significance (2). Last evaluated 2021-11-10.

Conditions:
Hereditary cancer-predisposing syndrome. Also called: Hereditary neoplastic syndrome; Neoplastic Syndromes, Hereditary; Tumor predisposition; Hereditary Cancer Syndrome. Identifiers: Orphanet 140162, MedGen C0027672, MeSH D009386, MONDO:0015356.
Cardiovascular phenotype. Identifiers: MedGen CN230736.
Neurofibromatosis, type 1 (NF1). Also called: VON RECKLINGHAUSEN DISEASE; NEUROFIBROMATOSIS, TYPE I, SOMATIC; Peripheral type neurofibromatosis; Neurofibromatosis, type I. Identifiers: Orphanet 636, MedGen C0027831, MONDO:0018975, OMIM 162200. Disease mechanism: loss of function.

Submissions (2):

Ambry Genetics
Classification: Uncertain significance for Cardiovascular phenotype; Hereditary cancer-predisposing syndrome. Last evaluated: 2021-11-10. Review status: criteria provided, single submitter. Criteria: Ambry Variant Classification Scheme 2023. Collection method: clinical testing. Allele origin: germline.
Comment: The p.C721F variant (also known as c.2162G>T), located in coding exon 18 of the NF1 gene, results from a G to T substitution at nucleotide position 2162. The cysteine at codon 721 is replaced by phenylalanine, an amino acid with highly dissimilar properties. This amino acid position is well conserved in available vertebrate species. In addition, the in silico prediction for this alteration is inconclusive. Since supporting evidence is limited at this time, the clinical significance of this alteration remains unclear.

Labcorp Genetics (formerly Invitae), Labcorp
Classification: Uncertain significance for Neurofibromatosis, type 1. Last evaluated: 2020-06-03. Review status: criteria provided, single submitter. Criteria: Invitae Variant Classification Sherloc (09022015). Collection method: clinical testing. Allele origin: germline.
Comment: In summary, the available evidence is currently insufficient to determine the role of this variant in disease. Therefore, it has been classified as a Variant of Uncertain Significance. This sequence change replaces cysteine with phenylalanine at codon 721 of the NF1 protein (p.Cys721Phe). The cysteine residue is moderately conserved and there is a large physicochemical difference between cysteine and phenylalanine. This variant is not present in population databases (ExAC no frequency). This variant has not been reported in the literature in individuals with NF1-related conditions. Algorithms developed to predict the effect of missense changes on protein structure and function are either unavailable or do not agree on the potential impact of this missense change (SIFT: "Deleterious"; PolyPhen-2: "Possibly Damaging"; Align-GVGD: "Class C0").